The following is an entry in ClinVar:

ClinVar aggregate classification (germline): Uncertain significance. Review status: criteria provided, multiple submitters, no conflicts (2 of 4 stars). 2 submissions from 2 submitters: Uncertain significance (2). Last evaluated 2024-12-23.

Conditions:
Inborn genetic diseases. Identifiers: MedGen C0950123, MeSH D030342.

Allele frequency attached by ClinVar (database versions not stated): TOPMed below 0.00001; ExAC 0.00001; gnomAD 0.00001; gnomAD exomes 0.00001.
gnomAD v4.1: 11 of 1,614,056 alleles (0.00068%); highest among the groups gnomAD compares: East Asian, 0.0045%; no homozygotes.

Submissions (2):

Ambry Genetics
Classification: Uncertain significance for Inborn genetic diseases. Last evaluated: 2024-12-23. Review status: criteria provided, single submitter. Criteria: Ambry Variant Classification Scheme 2023. Collection method: clinical testing. Allele origin: germline.

GeneDx
Classification: Uncertain significance. Last evaluated: 2019-06-28. Review status: criteria provided, single submitter. Criteria: GeneDx Variant Classification Process June 2021. Collection method: clinical testing. Allele origin: germline. Affected: yes.
Comment: Not observed at a significant frequency in large population cohorts (Lek et al., 2016); In silico analysis, which includes protein predictors and evolutionary conservation, supports a deleterious effect; Has not been previously published as pathogenic or benign to our knowledge

NM_014049.5(ACAD9):c.1336C>T (p.Arg446Cys)

Gene: ACAD9 (acyl-CoA dehydrogenase family member 9; plus strand). Cytogenetic location: 3q21.3.
Variant type: single nucleotide variant.
Coding change: c.1336C>T on transcript NM_014049.5 (MANE Select); coding-DNA position 1336, C replaced by T.
Protein change: p.Arg446Cys; replaces arginine 446 with cysteine.
Molecular consequence: missense variant. On other transcripts: non-coding transcript variant (1).
Genome position (GRCh38, 1-based): chr3:128,908,242, C>T. VCF-style: chr3-128908242-C-T. GRCh37 (hg19) VCF-style: chr3-128627085-C-T.
Other names: short protein forms R446C.
Identifiers: ClinVar variation 1204520 (VCV001204520.4), dbSNP rs781520431, ClinGen allele CA2601506.
Genomic context (GRCh38, chr3:128,908,242, plus strand): 5'-CAGGGAACCAATGAGATTCTCCGGATGTACATCGCCCTGACGGGTCTGCAGCATGCCGGC[C>T]GCATCCTGACTACCAGGATCCAGTAGGTGCCATTGTCACCGTGTGCTTCTCAGGTCCCAT-3'
Protein context (NP_054768.2, residues 436-456): IALTGLQHAG[Arg446Cys]ILTTRIHELK